The following is an entry in ClinVar:

ClinVar aggregate classification (germline): Uncertain significance (1 of 4 stars; one submission).

Conditions:
Inborn genetic diseases. Identifiers: MedGen C0950123, MeSH D030342.

Submission:

Ambry Genetics
Classification: Uncertain significance for Inborn genetic diseases. Last evaluated: 2025-01-17. Review status: criteria provided, single submitter. Criteria: Ambry Variant Classification Scheme 2023. Collection method: clinical testing. Allele origin: germline.
Comment: The p.H320R variant (also known as c.959A>G), located in coding exon 5 of the RECQL4 gene, results from an A to G substitution at nucleotide position 959. The histidine at codon 320 is replaced by arginine, an amino acid with highly similar properties. This amino acid position is conserved. In addition, this alteration is predicted to be tolerated by in silico analysis. Based on the available evidence, the clinical significance of this variant remains unclear.

NM_004260.4(RECQL4):c.959A>G (p.His320Arg)

Gene: RECQL4 (RecQ like helicase 4; minus strand). Cytogenetic location: 8q24.3.
Variant type: single nucleotide variant.
Coding change: c.959A>G on transcript NM_004260.4 (MANE Select); coding-DNA position 959, A replaced by G.
Protein change: p.His320Arg; replaces histidine 320 with arginine.
Molecular consequence: missense variant. On other transcripts: 5 prime UTR variant (16), non-coding transcript variant (3), intron variant (3).
Genome position (GRCh38, 1-based): chr8:144,516,160, T>C on the plus strand (A>G on the coding strand, the complement: RECQL4 is on the minus strand). VCF-style: chr8-144516160-T-C. GRCh37 (hg19) VCF-style: chr8-145741544-T-C.
Other names: c.959A>G, p.His320Arg (NM_001413018.1, NM_001413019.1, NM_001413033.1 and 2 more transcripts); c.-113A>G (NM_001413021.1, NM_001413022.1, NM_001413023.1 and 7 more transcripts); c.830A>G, p.His277Arg (NM_001413025.1); c.-175A>G (NM_001413027.1, NM_001413030.1, NM_001413031.1 and 2 more transcripts); c.608A>G, p.His203Arg (NM_001413029.1); c.-382A>G (NM_001413043.1); c.953+6A>G (NM_001413017.1, NM_001413020.1); c.-23+6A>G (NM_001413034.1); short protein forms H277R, H203R, H320R.
Identifiers: ClinVar variation 3787999 (VCV003787999.1).